The following is an entry in ClinVar:

NM_139276.3(STAT3):c.748G>A (p.Ala250Thr)

Genes: STAT3 (signal transducer and activator of transcription 3; minus strand), LOC130060888 (ATAC-STARR-seq lymphoblastoid active region 12197; plus strand). Cytogenetic location: 17q21.2.
Variant type: single nucleotide variant.
Coding change: c.748G>A on transcript NM_139276.3 (MANE Select); coding-DNA position 748, G replaced by A.
Protein change: p.Ala250Thr; replaces alanine 250 with threonine.
Molecular consequence: missense variant.
Genome position (GRCh38, 1-based): chr17:42,337,484, C>T on the plus strand (G>A on the coding strand, the complement: STAT3 is on the minus strand). VCF-style: chr17-42337484-C-T. GRCh37 (hg19) VCF-style: chr17-40489502-C-T.
Other names: c.748G>A, p.Ala250Thr (NM_001369512.1, NM_001369513.1, NM_001369514.1 and 15 more transcripts); c.670G>A, p.Ala224Thr (NM_001384985.1); c.652G>A, p.Ala218Thr (NM_001384989.1); short protein forms A218T, A224T, A250T.
Identifiers: ClinVar variation 3753420 (VCV003753420.2).

ClinVar aggregate classification (germline): Uncertain significance (1 of 4 stars; one submission).

Conditions:
Hyper-IgE recurrent infection syndrome 1, autosomal dominant. Also called: STAT3 Hyper IgE Syndrome; Hyper-IgE recurrent infection syndrome 1; JOB SYNDROME; Job's Syndrome; HYPER-IgE SYNDROME 1, AUTOSOMAL DOMINANT, WITH RECURRENT INFECTIONS. Identifiers: Orphanet 2314, MedGen C2936739, MONDO:0007818, OMIM 147060.
STAT3 gain of function. Identifiers: MedGen C4288261.

Submission:

Labcorp Genetics (formerly Invitae), Labcorp
Classification: Uncertain significance for STAT3 gain of function; Hyper-IgE recurrent infection syndrome 1, autosomal dominant. Last evaluated: 2024-03-25. Review status: criteria provided, single submitter. Criteria: Invitae Variant Classification Sherloc (09022015). Collection method: clinical testing. Allele origin: germline.
Comment: This sequence change replaces alanine, which is neutral and non-polar, with threonine, which is neutral and polar, at codon 250 of the STAT3 protein (p.Ala250Thr). This variant is not present in population databases (gnomAD no frequency). This variant has not been reported in the literature in individuals affected with STAT3-related conditions. Advanced modeling of protein sequence and biophysical properties (such as structural, functional, and spatial information, amino acid conservation, physicochemical variation, residue mobility, and thermodynamic stability) performed at Invitae indicates that this missense variant is expected to disrupt STAT3 protein function with a positive predictive value of 80%. In summary, the available evidence is currently insufficient to determine the role of this variant in disease. Therefore, it has been classified as a Variant of Uncertain Significance.